The following is an entry in ClinVar:

NM_032608.7(MYO18B):c.6752C>A (p.Ser2251Ter)

Gene: MYO18B (myosin XVIIIB; plus strand). Cytogenetic location: 22q12.1.
Variant type: single nucleotide variant.
Coding change: c.6752C>A on transcript NM_032608.7 (MANE Select); coding-DNA position 6752, C replaced by A.
Protein change: p.Ser2251Ter; replaces serine 2251 with a stop codon.
Molecular consequence: nonsense.
Genome position (GRCh38, 1-based): chr22:26,026,726, C>A. VCF-style: chr22-26026726-C-A. GRCh37 (hg19) VCF-style: chr22-26422692-C-A.
Other names: c.6755C>A, p.Ser2252Ter (NM_001318245.2); short protein forms S2251*, S2252*.
Identifiers: ClinVar variation 1374582 (VCV001374582.6), dbSNP rs758997504, ClinGen allele CA411010881.

ClinVar aggregate classification (germline): Pathogenic (1 of 4 stars; one submission).

Submission:

Labcorp Genetics (formerly Invitae), Labcorp
Classification: Pathogenic. Last evaluated: 2025-12-03. Review status: criteria provided, single submitter. Criteria: Invitae Variant Classification Sherloc (09022015). Collection method: clinical testing. Allele origin: germline.
Comment: This sequence change creates a premature translational stop signal (p.Ser2251*) in the MYO18B gene. It is expected to result in an absent or disrupted protein product. Loss-of-function variants in MYO18B are known to be pathogenic (PMID: 25748484, 32184166, 32637634). This variant is not present in population databases (gnomAD no frequency). This variant has not been reported in the literature in individuals affected with MYO18B-related conditions. ClinVar contains an entry for this variant (Variation ID: 1374582). For these reasons, this variant has been classified as Pathogenic.

Literature cited by the submitters: PubMed 25748484; PubMed 32184166; PubMed 32637634.